The following is an entry in ClinVar:

ClinVar aggregate classification (germline): Uncertain significance. Review status: criteria provided, multiple submitters, no conflicts (2 of 4 stars). 3 submissions from 3 submitters: Uncertain significance (3). Last evaluated 2026-05-22.

Conditions:
PLEC-related disorder. Also called: PLEC-related disorders; PLEC-related condition.
Epidermolysis bullosa simplex 5C, with pyloric atresia (EBS5C). Also called: PLEC-Related Epidermolysis Bullosa with Pyloric Atresia; PLEC1-Related Epidermolysis Bullosa with Pyloric Atresia; Epidermolysis bullosa simplex with pyloric atresia. Identifiers: Orphanet 158684, MedGen C2677349, MONDO:0012807, OMIM 612138.
Epidermolysis bullosa simplex, Ogna type (EBS5A). Also called: Pidermolysis bullosa simplex 5A, Ogna type; EPIDERMOLYSIS BULLOSA SIMPLEX 5A, OGNA TYPE. Identifiers: Orphanet 79401, MedGen C0432317, MONDO:0007555, OMIM 131950.
Epidermolysis bullosa simplex 5B, with muscular dystrophy (EBS5B). Also called: Epidermolysis bullosa simplex with muscular dystrophy; EPIDERMOLYSIS BULLOSA SIMPLEX AND LIMB-GIRDLE MUSCULAR DYSTROPHY. Identifiers: Orphanet 257, MedGen C2931072, MONDO:0009181, OMIM 226670.
Epidermolysis bullosa simplex with nail dystrophy (EBS5D). Identifiers: MedGen C4225309, MONDO:0014661, OMIM 616487.
Autosomal recessive limb-girdle muscular dystrophy type 2Q (LGMDR17). Also called: MUSCULAR DYSTROPHY, LIMB-GIRDLE, AUTOSOMAL RECESSIVE 17. Identifiers: Orphanet 254361, MedGen C3150989, MONDO:0013390, OMIM 613723.

Allele frequency attached by ClinVar (database versions not stated): gnomAD 0.00002; TOPMed 0.00002.
gnomAD v4.1: 4 of 1,581,528 alleles (0.00025%); highest among the groups gnomAD compares: Admixed American, 0.0069%; no homozygotes.

Submissions (3):

PreventionGenetics, part of Exact Sciences
Classification: Uncertain significance for PLEC-related condition. Last evaluated: 2026-05-22. Review status: criteria provided, single submitter. Criteria: ACMG Guidelines, 2015. Collection method: clinical testing. Allele origin: germline.
Comment: The PLEC c.3562G>A variant is predicted to result in the amino acid substitution p.Glu1188Lys. To our knowledge, this variant has not been reported in the literature. This variant is reported in 0.0% of alleles in individuals of African descent in gnomAD. At this time, the clinical significance of this variant is uncertain due to the absence of conclusive functional and genetic evidence.

Revvity Omics, Revvity
Classification: Uncertain significance. Last evaluated: 2019-08-30. Review status: criteria provided, single submitter. Criteria: ACMG Guidelines, 2015. Collection method: clinical testing. Allele origin: germline.

Labcorp Genetics (formerly Invitae), Labcorp
Classification: Uncertain significance for Autosomal recessive limb-girdle muscular dystrophy type 2Q; Epidermolysis bullosa simplex, Ogna type; Epidermolysis bullosa simplex with nail dystrophy; Epidermolysis bullosa simplex 5C, with pyloric atresia; Epidermolysis bullosa simplex 5B, with muscular dystrophy. Last evaluated: 2018-05-29. Review status: criteria provided, single submitter. Criteria: Invitae Variant Classification Sherloc (09022015). Collection method: clinical testing. Allele origin: germline.
Comment: In summary, the available evidence is currently insufficient to determine the role of this variant in disease. Therefore, it has been classified as a Variant of Uncertain Significance. Algorithms developed to predict the effect of missense changes on protein structure and function (SIFT, Align-GVGD) all suggest that this variant is likely to be tolerated, but these predictions have not been confirmed by published functional studies and their clinical significance is uncertain. This variant has not been reported in the literature in individuals with PLEC-related disease. This variant is not present in population databases (ExAC no frequency). This sequence change replaces glutamic acid with lysine at codon 1188 of the PLEC protein (p.Glu1188Lys). The glutamic acid residue is moderately conserved and there is a small physicochemical difference between glutamic acid and lysine.

NM_201384.3(PLEC):c.3481G>A (p.Glu1161Lys)

Gene: PLEC (plectin; minus strand). Cytogenetic location: 8q24.3.
Variant type: single nucleotide variant.
Coding change: c.3481G>A on transcript NM_201384.3 (MANE Select); coding-DNA position 3481, G replaced by A.
Protein change: p.Glu1161Lys; replaces glutamic acid 1161 with lysine.
Molecular consequence: missense variant.
Genome position (GRCh38, 1-based): chr8:143,927,685, C>T on the plus strand (G>A on the coding strand, the complement: PLEC is on the minus strand). VCF-style: chr8-143927685-C-T. GRCh37 (hg19) VCF-style: chr8-145001853-C-T.
Other names: c.3562G>A (NM_000445.3); c.3562G>A, p.Glu1188Lys (NM_000445.5); c.3439G>A, p.Glu1147Lys (NM_201378.4); c.3415G>A, p.Glu1139Lys (NM_201379.3); c.3892G>A, p.Glu1298Lys (NM_201380.4); c.3385G>A, p.Glu1129Lys (NM_201381.3); c.3481G>A, p.Glu1161Lys (NM_201382.4); c.3493G>A, p.Glu1165Lys (NM_201383.3); short protein forms E1129K, E1165K, E1139K, E1147K, E1161K, E1188K, E1298K.
Identifiers: ClinVar variation 582308 (VCV000582308.9), dbSNP rs1298210653, ClinGen allele CA372565945.